The following is an entry in ClinVar:

ClinVar aggregate classification (germline): Benign/Likely benign. Review status: criteria provided, multiple submitters, no conflicts (2 of 4 stars). 5 submissions from 5 submitters: Benign (1); Likely benign (3). 1 of the submissions does not count toward it. Last evaluated 2025-12-20.

Conditions:
CBS-related disorder. Also called: CBS-related condition.
Familial thoracic aortic aneurysm and aortic dissection (TAAD). Also called: Thoracic aortic aneurysms and dissections. Identifiers: Orphanet 91387, MedGen C4707243, MONDO:0019625.
HYPERHOMOCYSTEINEMIA, THROMBOTIC, CBS-RELATED. Identifiers: MedGen C3150344, OMIM 236200.

Allele frequency attached by ClinVar (database versions not stated): ExAC 0.00006; gnomAD exomes 0.00006; ESP Exome Variant Server 0.00015.

Submissions (5):

Labcorp Genetics (formerly Invitae), Labcorp
Classification: Likely benign for HYPERHOMOCYSTEINEMIA, THROMBOTIC, CBS-RELATED. Last evaluated: 2025-12-20. Review status: criteria provided, single submitter. Criteria: Invitae Variant Classification Sherloc (09022015). Collection method: clinical testing. Allele origin: germline.

ARUP Laboratories, Molecular Genetics and Genomics, ARUP Laboratories
Classification: Likely benign. Last evaluated: 2020-01-14. Review status: criteria provided, single submitter. Criteria: ARUP Molecular Germline Variant Investigation Process. Collection method: clinical testing. Allele origin: germline.

Ambry Genetics
Classification: Likely benign for Familial thoracic aortic aneurysm and aortic dissection. Last evaluated: 2019-03-18. Review status: criteria provided, single submitter. Criteria: Ambry Variant Classification Scheme 2023. Collection method: clinical testing. Allele origin: germline.

GeneDx
Classification: Benign. Last evaluated: 2015-06-12. Review status: criteria provided, single submitter. Criteria: GeneDx Variant Classification (06012015). Collection method: clinical testing. Allele origin: germline. Affected: yes.
Comment: This variant is considered likely benign or benign based on one or more of the following criteria: it is a conservative change, it occurs at a poorly conserved position in the protein, it is predicted to be benign by multiple in silico algorithms, and/or has population frequency not consistent with disease.

PreventionGenetics, part of Exact Sciences
Classification: Likely benign for CBS-related condition. Last evaluated: 2022-08-31. Review status: no assertion criteria provided. Collection method: clinical testing. Allele origin: germline. Not counted in ClinVar's aggregate classification.
Comment: This variant is classified as likely benign based on ACMG/AMP sequence variant interpretation guidelines (Richards et al. 2015 PMID: 25741868, with internal and published modifications).

NM_000071.3(CBS):c.1266G>A (p.Pro422=)

Gene: CBS (cystathionine beta-synthase; minus strand). Cytogenetic location: 21q22.3.
Variant type: single nucleotide variant.
Coding change: c.1266G>A on transcript NM_000071.3 (MANE Select); coding-DNA position 1266, G replaced by A.
Protein change: p.Pro422=; no amino-acid change (proline 422 retained).
Molecular consequence: synonymous variant.
Genome position (GRCh38, 1-based): chr21:43,058,926, C>T on the plus strand (G>A on the coding strand, the complement: CBS is on the minus strand). VCF-style: chr21-43058926-C-T. GRCh37 (hg19) VCF-style: chr21-44479036-C-T.
Other names: p.P422P:CCG>CCA; c.1266G>A, p.Pro422= (NM_001178008.3, NM_001178009.3, NM_001320298.2); c.951G>A, p.Pro317= (NM_001321072.1).
Identifiers: ClinVar variation 212829 (VCV000212829.23), dbSNP rs150146702, ClinGen allele CA322143.